The following is an entry in ClinVar:

ClinVar aggregate classification (germline): Pathogenic. Review status: criteria provided, multiple submitters, no conflicts (2 of 4 stars). 4 submissions from 4 submitters: Pathogenic (4). Last evaluated 2025-09-25.

Conditions:
Thoracic aortic aneurysm or dissection.
Marfan syndrome (MFS). Also called: Marfan syndrome, classic; Marfan syndrome type 1; Marfan's syndrome; MARFAN SYNDROME, TYPE I; FBN1-Related Marfan Syndrome. Identifiers: Orphanet 284963, Orphanet 558, MedGen C0024796, MONDO:0007947, OMIM 154700.
Familial thoracic aortic aneurysm and aortic dissection (TAAD). Also called: Thoracic aortic aneurysms and dissections. Identifiers: Orphanet 91387, MedGen C4707243, MONDO:0019625.

Submissions (4):

NHS Central & South Genomic Laboratory Hub
Classification: Pathogenic for Thoracic aortic aneurysm or dissection. Last evaluated: 2025-09-25. Review status: criteria provided, single submitter. Criteria: ACMG Guidelines, 2015. Collection method: clinical testing. Allele origin: germline. Affected: yes.

ARUP Laboratories, Molecular Genetics and Genomics, ARUP Laboratories
Classification: Pathogenic. Last evaluated: 2025-06-10. Review status: criteria provided, single submitter. Criteria: ARUP Molecular Germline Variant Investigation Process 2024. Collection method: clinical testing. Allele origin: germline.
Comment: The FBN1 c.6784C>T; p.Gln2262Ter variant (rs1060501023, ClinVar Variation ID: 406274) is reported in the literature in an individual affected with Marfan syndrome (Nijbroek 1995). This variant is absent from the Genome Aggregation Database (v2.1.1), indicating it is not a common polymorphism. This variant induces an early termination codon and is predicted to result in a truncated protein or mRNA subject to nonsense-mediated decay. Based on available information, this variant is considered to be pathogenic. References: Nijbroek G et al. Fifteen novel FBN1 mutations causing Marfan syndrome detected by heteroduplex analysis of genomic amplicons. Am J Hum Genet. 1995 Jul;57(1):8-21. PMID: 7611299.

GeneDx
Classification: Pathogenic. Last evaluated: 2023-09-22. Review status: criteria provided, single submitter. Criteria: GeneDx Variant Classification Process June 2021. Collection method: clinical testing. Allele origin: germline. Affected: yes.
Comment: Nonsense variant predicted to result in protein truncation or nonsense mediated decay in a gene for which loss-of-function is a known mechanism of disease; Not observed at significant frequency in large population cohorts (gnomAD); Reported in ClinVar as pathogenic (ClinVar Variant ID# 406274; ClinVar); This variant is associated with the following publications: (PMID: 7611299, 25525159)

Labcorp Genetics (formerly Invitae), Labcorp
Classification: Pathogenic for Marfan syndrome; Familial thoracic aortic aneurysm and aortic dissection. Last evaluated: 2018-03-06. Review status: criteria provided, single submitter. Criteria: Invitae Variant Classification Sherloc (09022015). Collection method: clinical testing. Allele origin: germline.
Comment: For these reasons, this variant has been classified as Pathogenic. Loss-of-function variants in FBN1 are known to be pathogenic (PMID: 17657824, 19293843). This particular variant has been reported in an individual affected with Marfan syndrome (PMID: 7611299). ClinVar contains an entry for this variant (Variation ID: 406274). This variant is not present in population databases (ExAC no frequency). This sequence change creates a premature translational stop signal (p.Gln2262*) in the FBN1 gene. It is expected to result in an absent or disrupted protein product.

Literature cited by the submitters: PubMed 17657824 (cited by Labcorp Genetics (formerly Invitae), Labcorp); PubMed 19293843 (cited by Labcorp Genetics (formerly Invitae), Labcorp); PubMed 7611299 (cited by Labcorp Genetics (formerly Invitae), Labcorp).

NM_000138.5(FBN1):c.6784C>T (p.Gln2262Ter)

Gene: FBN1 (fibrillin 1; minus strand). Cytogenetic location: 15q21.1.
Variant type: single nucleotide variant.
Coding change: c.6784C>T on transcript NM_000138.5 (MANE Select); coding-DNA position 6784, C replaced by T.
Protein change: p.Gln2262Ter; replaces glutamine 2262 with a stop codon.
Molecular consequence: nonsense.
Genome position (GRCh38, 1-based): chr15:48,430,758, G>A on the plus strand (C>T on the coding strand, the complement: FBN1 is on the minus strand). VCF-style: chr15-48430758-G-A. GRCh37 (hg19) VCF-style: chr15-48722955-G-A.
Other names: short protein forms Q2262*.
Identifiers: ClinVar variation 406274 (VCV000406274.11), dbSNP rs1060501023, ClinGen allele CA16602237.